The following is an entry in ClinVar:

ClinVar aggregate classification (germline): Uncertain significance (1 of 4 stars; one submission).

Conditions:
Cardiovascular phenotype. Identifiers: MedGen CN230736.

Allele frequency attached by ClinVar (database versions not stated): gnomAD exomes below 0.00001.

Submission:

Ambry Genetics
Classification: Uncertain significance for Cardiovascular phenotype. Last evaluated: 2019-01-23. Review status: criteria provided, single submitter. Criteria: Ambry Variant Classification Scheme 2023. Collection method: clinical testing. Allele origin: germline.
Comment: The p.T283A variant (also known as c.847A>G), located in coding exon 4 of the DES gene, results from an A to G substitution at nucleotide position 847. The threonine at codon 283 is replaced by alanine, an amino acid with similar properties. This amino acid position is not well conserved in available vertebrate species. In addition, the in silico prediction for this alteration is inconclusive. Since supporting evidence is limited at this time, the clinical significance of this alteration remains unclear.

NM_001927.4(DES):c.847A>G (p.Thr283Ala)

Gene: DES (desmin; plus strand). Cytogenetic location: 2q35.
Variant type: single nucleotide variant.
Coding change: c.847A>G on transcript NM_001927.4 (MANE Select); coding-DNA position 847, A replaced by G.
Protein change: p.Thr283Ala; replaces threonine 283 with alanine.
Molecular consequence: missense variant. On other transcripts: intron variant (1).
Genome position (GRCh38, 1-based): chr2:219,420,606, A>G. VCF-style: chr2-219420606-A-G. GRCh37 (hg19) VCF-style: chr2-220285328-A-G.
Other names: c.844A>G, p.Thr282Ala (NM_001382708.1); c.847A>G, p.Thr283Ala (NM_001382710.1, NM_001382711.1, NM_001382712.1); c.577A>G, p.Thr193Ala (NM_001382713.1); c.735+260A>G (NM_001382709.1); short protein forms T282A, T193A, T283A.
Identifiers: ClinVar variation 1763521 (VCV001763521.2), dbSNP rs2545252452, ClinGen allele CA350691494.